The following is an entry in ClinVar:

ClinVar aggregate classification (germline): Conflicting classifications of pathogenicity. Review status: criteria provided, conflicting classifications (1 of 4 stars). 2 submissions from 2 submitters: Uncertain significance (1); Likely benign (1). Last evaluated 2025-04-08.

Conditions:
Inborn genetic diseases. Identifiers: MedGen C0950123, MeSH D030342.
Pseudohypoaldosteronism type 2C (PHA2C). Also called: Pseudohypoaldosteronism Type IIC. Identifiers: Orphanet 757, Orphanet 88940, MedGen C1840391, MONDO:0013778, OMIM 614492.
Neuropathy, hereditary sensory and autonomic, type 2A (HSAN2A). Also called: ACROOSTEOLYSIS, GIACCAI TYPE; ACROOSTEOLYSIS, NEUROGENIC; HSAN IIA; WNK1-Related HSAN2 (HSAN2A); MORVAN DISEASE; NEUROPATHY, CONGENITAL SENSORY. Identifiers: Orphanet 970, MedGen C2752089, MONDO:0024309, OMIM 201300.

Allele frequency attached by ClinVar (database versions not stated): gnomAD exomes 0.00002 and 0.00006; ExAC 0.00008; 1000 Genomes Project 30x 0.00016; 1000 Genomes Project 0.00020; ESP Exome Variant Server 0.00023; TOPMed 0.00030; gnomAD 0.00032.
gnomAD v4.1: 79 of 1,614,122 alleles (0.0049%); highest among the groups gnomAD compares: African/African-American, 0.096%; no homozygotes.

Submissions (2):

Labcorp Genetics (formerly Invitae), Labcorp
Classification: Likely benign for Neuropathy, hereditary sensory and autonomic, type 2A; Pseudohypoaldosteronism type 2C. Last evaluated: 2025-04-08. Review status: criteria provided, single submitter. Criteria: Invitae Variant Classification Sherloc (09022015). Collection method: clinical testing. Allele origin: germline.

Ambry Genetics
Classification: Uncertain significance for Inborn genetic diseases. Last evaluated: 2020-06-18. Review status: criteria provided, single submitter. Criteria: Ambry Variant Classification Scheme 2023. Collection method: clinical testing. Allele origin: germline.
Comment: The p.I2166T variant (also known as c.6497T>C), located in coding exon 24 of the WNK1 gene, results from a T to C substitution at nucleotide position 6497. The isoleucine at codon 2166 is replaced by threonine, an amino acid with similar properties. This amino acid position is not well conserved in available vertebrate species. In addition, this alteration is predicted to be tolerated by in silico analysis. Since supporting evidence is limited at this time, the clinical significance of this alteration remains unclear.

NM_018979.4(WNK1):c.5741T>C (p.Ile1914Thr)

Gene: WNK1 (WNK lysine deficient protein kinase 1; plus strand). Cytogenetic location: 12p13.33.
Variant type: single nucleotide variant.
Coding change: c.5741T>C on transcript NM_018979.4 (MANE Select); coding-DNA position 5741, T replaced by C.
Protein change: p.Ile1914Thr; replaces isoleucine 1914 with threonine.
Molecular consequence: missense variant.
Genome position (GRCh38, 1-based): chr12:896,228, T>C. VCF-style: chr12-896228-T-C. GRCh37 (hg19) VCF-style: chr12-1005394-T-C.
Other names: c.6521T>C, p.Ile2174Thr (NM_001184985.2); c.4997T>C, p.Ile1666Thr (NM_014823.3); c.6497T>C, p.Ile2166Thr (NM_213655.5); short protein forms I2166T, I1914T, I1666T, I2174T.
Identifiers: ClinVar variation 660053 (VCV000660053.11), dbSNP rs184764148, ClinGen allele CA6383277.
Genomic context (GRCh38, chr12:896,228, plus strand): 5'-TGCTATCAAGTAGTAGTCCAGAGAGTACCTTGGTGAAACCAGAGCCGAATGGCATAACCA[T>C]CCCTGGTATCTCTTCAGATGTGCCAGAGAGTGCCCACAAAACTACTGCCTCAGAGGCAAA-3'
Protein context (NP_061852.3, residues 1904-1924): LVKPEPNGIT[Ile1914Thr]PGISSDVPES